The following is an entry in ClinVar:

NM_004320.6(ATP2A1):c.325-240A>G

Gene: ATP2A1 (ATPase sarcoplasmic/endoplasmic reticulum Ca2+ transporting 1; plus strand). Cytogenetic location: 16p11.2.
Variant type: single nucleotide variant.
Coding change: c.325-240A>G on transcript NM_004320.6 (MANE Select); 240 bases into the intron before coding-DNA position 325, A replaced by G.
Molecular consequence: intron variant.
Genome position (GRCh38, 1-based): chr16:28,882,211, A>G. VCF-style: chr16-28882211-A-G. GRCh37 (hg19) VCF-style: chr16-28893532-A-G.
Other names: c.325-240A>G (NM_173201.5); c.-51-240A>G (NM_001286075.2).
Identifiers: ClinVar variation 678079 (VCV000678079.1), dbSNP rs11641216, ClinGen allele CA14217698.

ClinVar aggregate classification (germline): Benign (1 of 4 stars; one submission).

Allele frequency attached by ClinVar (database versions not stated): 1000 Genomes Project 0.26118; 1000 Genomes Project 30x 0.26733; TOPMed 0.33883; gnomAD 0.34848 and 0.35328.
gnomAD v4.1: 51,235 of 147,480 alleles (35%); highest among the groups gnomAD compares: Admixed American, 42%; 9,375 homozygotes.

Submission:

GeneDx
Classification: Benign. Last evaluated: 2018-06-19. Review status: criteria provided, single submitter. Criteria: GeneDx Variant Classification (06012015). Collection method: clinical testing. Allele origin: germline. Affected: yes.
Comment: This variant is considered likely benign or benign based on one or more of the following criteria: it is a conservative change, it occurs at a poorly conserved position in the protein, it is predicted to be benign by multiple in silico algorithms, and/or has population frequency not consistent with disease.